The following is an entry in ClinVar:

NM_002471.4(MYH6):c.1846A>G (p.Lys616Glu)

Gene: MYH6 (myosin heavy chain 6; minus strand). Cytogenetic location: 14q11.2.
Variant type: single nucleotide variant.
Coding change: c.1846A>G on transcript NM_002471.4 (MANE Select); coding-DNA position 1846, A replaced by G.
Protein change: p.Lys616Glu; replaces lysine 616 with glutamic acid.
Molecular consequence: missense variant.
Genome position (GRCh38, 1-based): chr14:23,398,773, T>C on the plus strand (A>G on the coding strand, the complement: MYH6 is on the minus strand). VCF-style: chr14-23398773-T-C. GRCh37 (hg19) VCF-style: chr14-23867982-T-C.
Other names: short protein forms K616E.
Identifiers: ClinVar variation 4082996 (VCV004082996.1).
Genomic context (GRCh38, chr14:23,398,773, plus strand): 5'-GGGCTGCCTGCTTACCAGTATCGGCAGTTGCGTAGGAGGAGAAGAGAGTGGCCATGAGCT[T>C]GAGGGAGGACTTCTGGTACAGGGCCACAACAGTCTCGTTGAGAGGATCCTTGTTTTTTTC-3'
Protein context (NP_002462.2, residues 606-626): VVALYQKSSL[Lys616Glu]LMATLFSSYA

ClinVar aggregate classification (germline): Uncertain significance (1 of 4 stars; one submission).

Submission:

GeneDx
Classification: Uncertain significance. Last evaluated: 2025-03-04. Review status: criteria provided, single submitter. Criteria: GeneDx Variant Classification Process June 2021. Collection method: clinical testing. Allele origin: germline. Affected: yes.
Comment: Not observed at significant frequency in large population cohorts (gnomAD); In silico analysis supports that this missense variant has a deleterious effect on protein structure/function; Has not been previously published as pathogenic or benign to our knowledge